The following is an entry in ClinVar:

ClinVar aggregate classification (germline): Uncertain significance (1 of 4 stars; one submission).

Conditions:
Ehlers-Danlos syndrome, classic type, 1 (EDSCL1). Also called: EDS I; EHLERS-DANLOS SYNDROME, GRAVIS TYPE; EHLERS-DANLOS SYNDROME, SEVERE CLASSIC TYPE; Ehlers-Danlos syndrome, type 1; Ehlers-Danlos Syndrome, Classic Type, COL5A1-Related. Identifiers: MedGen C0268335, MONDO:0019567, OMIM 130000.

Allele frequency attached by ClinVar (database versions not stated): gnomAD exomes below 0.00001.
gnomAD v4.1: 1 of 1,614,084 alleles (0.000062%); highest among the groups gnomAD compares: Non-Finnish European, 0.000085%; no homozygotes.

Submission:

Labcorp Genetics (formerly Invitae), Labcorp
Classification: Uncertain significance for Ehlers-Danlos syndrome, classic type, 1. Last evaluated: 2023-05-19. Review status: criteria provided, single submitter. Criteria: Invitae Variant Classification Sherloc (09022015). Collection method: clinical testing. Allele origin: germline.
Comment: In summary, the available evidence is currently insufficient to determine the role of this variant in disease. Therefore, it has been classified as a Variant of Uncertain Significance. Advanced modeling of protein sequence and biophysical properties (such as structural, functional, and spatial information, amino acid conservation, physicochemical variation, residue mobility, and thermodynamic stability) performed at Invitae indicates that this missense variant is not expected to disrupt COL5A1 protein function. This sequence change replaces proline, which is neutral and non-polar, with serine, which is neutral and polar, at codon 1235 of the COL5A1 protein (p.Pro1235Ser). This variant is not present in population databases (gnomAD no frequency). This variant has not been reported in the literature in individuals affected with COL5A1-related conditions.

NM_000093.5(COL5A1):c.3703C>T (p.Pro1235Ser)

Gene: COL5A1 (collagen type V alpha 1 chain; plus strand). Cytogenetic location: 9q34.3.
Variant type: single nucleotide variant.
Coding change: c.3703C>T on transcript NM_000093.5 (MANE Select); coding-DNA position 3703, C replaced by T.
Protein change: p.Pro1235Ser; replaces proline 1235 with serine.
Molecular consequence: missense variant.
Genome position (GRCh38, 1-based): chr9:134,812,461, C>T. VCF-style: chr9-134812461-C-T. GRCh37 (hg19) VCF-style: chr9-137704307-C-T.
Other names: c.3703C>T, p.Pro1235Ser (NM_001278074.1); short protein forms P1235S.
Identifiers: ClinVar variation 2958332 (VCV002958332.3), dbSNP rs2490822907, ClinGen allele CA375454578.